The following is an entry in ClinVar:

NM_032043.3(BRIP1):c.416C>T (p.Ser139Phe)

Gene: BRIP1 (BRCA1 interacting DNA helicase 1; minus strand). Cytogenetic location: 17q23.2.
Variant type: single nucleotide variant.
Coding change: c.416C>T on transcript NM_032043.3 (MANE Select); coding-DNA position 416, C replaced by T.
Protein change: p.Ser139Phe; replaces serine 139 with phenylalanine.
Molecular consequence: missense variant.
Genome position (GRCh38, 1-based): chr17:61,849,220, G>A on the plus strand (C>T on the coding strand, the complement: BRIP1 is on the minus strand). VCF-style: chr17-61849220-G-A. GRCh37 (hg19) VCF-style: chr17-59926581-G-A.
Other names: short protein forms S139F.
Identifiers: ClinVar variation 568207 (VCV000568207.14), dbSNP rs1567868653, ClinGen allele CA400484546.

ClinVar aggregate classification (germline): Uncertain significance. Review status: criteria provided, multiple submitters, no conflicts (2 of 4 stars). 3 submissions from 3 submitters: Uncertain significance (3). Last evaluated 2024-07-08.

Conditions:
Hereditary cancer-predisposing syndrome. Also called: Neoplastic Syndromes, Hereditary; Tumor predisposition; Hereditary Cancer Syndrome; Hereditary neoplastic syndrome. Identifiers: Orphanet 140162, MedGen C0027672, MeSH D009386, MONDO:0015356.
Fanconi anemia complementation group J. Also called: BRIP1-Related Fanconi Anemia. Identifiers: Orphanet 84, MedGen C1836860, MONDO:0012187, OMIM 609054.
Familial cancer of breast. Also called: Hereditary breast cancer; BREAST CANCER, FAMILIAL; hereditary breast carcinoma. Identifiers: Orphanet 227535, MedGen C0346153, MONDO:0016419, OMIM 114480. Disease mechanism: loss of function.

Submissions (3):

Labcorp Genetics (formerly Invitae), Labcorp
Classification: Uncertain significance for Familial cancer of breast; Fanconi anemia complementation group J. Last evaluated: 2024-07-08. Review status: criteria provided, single submitter. Criteria: Invitae Variant Classification Sherloc (09022015). Collection method: clinical testing. Allele origin: germline.
Comment: This sequence change replaces serine, which is neutral and polar, with phenylalanine, which is neutral and non-polar, at codon 139 of the BRIP1 protein (p.Ser139Phe). This variant is not present in population databases (gnomAD no frequency). This variant has not been reported in the literature in individuals affected with BRIP1-related conditions. ClinVar contains an entry for this variant (Variation ID: 568207). Advanced modeling of protein sequence and biophysical properties (such as structural, functional, and spatial information, amino acid conservation, physicochemical variation, residue mobility, and thermodynamic stability) performed at Invitae indicates that this missense variant is not expected to disrupt BRIP1 protein function with a negative predictive value of 80%. Algorithms developed to predict the effect of sequence changes on RNA splicing suggest that this variant may disrupt the consensus splice site. In summary, the available evidence is currently insufficient to determine the role of this variant in disease. Therefore, it has been classified as a Variant of Uncertain Significance.

Ambry Genetics
Classification: Uncertain significance for Hereditary cancer-predisposing syndrome. Last evaluated: 2024-06-09. Review status: criteria provided, single submitter. Criteria: Ambry Variant Classification Scheme 2023. Collection method: clinical testing. Allele origin: germline.
Comment: The p.S139F variant (also known as c.416C>T), located in coding exon 4 of the BRIP1 gene, results from a C to T substitution at nucleotide position 416. The serine at codon 139 is replaced by phenylalanine, an amino acid with highly dissimilar properties. This amino acid position is conserved. In addition, this alteration is predicted to be deleterious by in silico analysis. Based on the available evidence, the clinical significance of this variant remains unclear.

Color Diagnostics, LLC DBA Color Health
Classification: Uncertain significance for Hereditary cancer-predisposing syndrome. Last evaluated: 2024-03-07. Review status: criteria provided, single submitter. Criteria: ACMG Guidelines, 2015. Collection method: clinical testing. Allele origin: germline.
Comment: This missense variant replaces serine with phenylalanine at codon 139 of the BRIP1 protein. Computational prediction suggests that this variant may not impact protein structure and function (internally defined REVEL score threshold <= 0.5, PMID: 27666373). To our knowledge, functional studies have not been reported for this variant. This variant has not been reported in individuals affected with hereditary cancer in the literature. This variant has not been identified in the general population by the Genome Aggregation Database (gnomAD). The available evidence is insufficient to determine the role of this variant in disease conclusively. Therefore, this variant is classified as a Variant of Uncertain Significance.